The following is an entry in ClinVar:

NM_001003694.2(BRPF1):c.3329T>C (p.Ile1110Thr)

Gene: BRPF1 (bromodomain and PHD finger containing 1; plus strand). Cytogenetic location: 3p25.3.
Variant type: single nucleotide variant.
Coding change: c.3329T>C on transcript NM_001003694.2 (MANE Select); coding-DNA position 3329, T replaced by C.
Protein change: p.Ile1110Thr; replaces isoleucine 1110 with threonine.
Molecular consequence: missense variant. On other transcripts: non-coding transcript variant (1).
Genome position (GRCh38, 1-based): chr3:9,746,304, T>C. VCF-style: chr3-9746304-T-C. GRCh37 (hg19) VCF-style: chr3-9787988-T-C.
Other names: c.3026T>C, p.Ile1009Thr (NM_001319049.2); c.3308T>C, p.Ile1103Thr (NM_001319050.2); c.3326T>C, p.Ile1109Thr (NM_001410704.1); c.3311T>C, p.Ile1104Thr (NM_004634.3); short protein forms I1009T, I1103T, I1104T, I1109T, I1110T.
Identifiers: ClinVar variation 3906707 (VCV003906707.1).

ClinVar aggregate classification (germline): Uncertain significance (1 of 4 stars; one submission).

Submission:

GeneDx
Classification: Uncertain significance. Last evaluated: 2024-12-18. Review status: criteria provided, single submitter. Criteria: GeneDx Variant Classification Process June 2021. Collection method: clinical testing. Allele origin: germline. Affected: yes.
Comment: Not observed at significant frequency in large population cohorts (gnomAD); In silico analysis supports that this missense variant has a deleterious effect on protein structure/function; Has not been previously published as pathogenic or benign to our knowledge